The following is an entry in ClinVar:

ClinVar aggregate classification (germline): Uncertain significance (1 of 4 stars; one submission).

Conditions:
46,XY sex reversal 9 (SRXY9). Also called: 46,XY SEX REVERSAL, ZFPM2-RELATED. Identifiers: Orphanet 251510, MedGen C4015129, MONDO:0014480, OMIM 616067.

gnomAD v4.1: 2 of 1,613,012 alleles (0.00012%); highest among the groups gnomAD compares: Non-Finnish European, 0.00017%; no homozygotes.

Submission:

Labcorp Genetics (formerly Invitae), Labcorp
Classification: Uncertain significance for 46,XY sex reversal 9. Last evaluated: 2024-02-04. Review status: criteria provided, single submitter. Criteria: Invitae Variant Classification Sherloc (09022015). Collection method: clinical testing. Allele origin: germline.
Comment: This sequence change replaces threonine, which is neutral and polar, with isoleucine, which is neutral and non-polar, at codon 151 of the ZFPM2 protein (p.Thr151Ile). This variant is not present in population databases (gnomAD no frequency). This missense change has been observed in individual(s) with tetralogy of Fallot (PMID: 24469719). An algorithm developed to predict the effect of missense changes on protein structure and function (PolyPhen-2) suggests that this variant is likely to be disruptive. In summary, the available evidence is currently insufficient to determine the role of this variant in disease. Therefore, it has been classified as a Variant of Uncertain Significance.

Literature cited by the submitters: PubMed 24469719.

NM_012082.4(ZFPM2):c.452C>T (p.Thr151Ile)

Gene: ZFPM2 (zinc finger protein, FOG family member 2; plus strand). Cytogenetic location: 8q23.1.
Variant type: single nucleotide variant.
Coding change: c.452C>T on transcript NM_012082.4 (MANE Select); coding-DNA position 452, C replaced by T.
Protein change: p.Thr151Ile; replaces threonine 151 with isoleucine.
Molecular consequence: missense variant.
Genome position (GRCh38, 1-based): chr8:105,634,277, C>T. VCF-style: chr8-105634277-C-T. GRCh37 (hg19) VCF-style: chr8-106646505-C-T.
Other names: c.293C>T, p.Thr98Ile (NM_001362836.2); c.56C>T, p.Thr19Ile (NM_001362837.2); short protein forms T19I, T151I, T98I.
Identifiers: ClinVar variation 3720858 (VCV003720858.2).
Genomic context (GRCh38, chr8:105,634,277, plus strand): 5'-GCATCTGTTTGTTATCATTCTTTCTACAGAAGACAAAGGCTCAGGTCCCAATGGTGCTGA[C>T]TGCTGGTCCCAAGTGGTTGCTGGATGTGACTTGGCAAGGAGTGGAAGACAACAAAAACAA-3'
Protein context (NP_036214.2, residues 141-161): KTKAQVPMVL[Thr151Ile]AGPKWLLDVT